The following is an entry in ClinVar:

NM_020937.4(FANCM):c.1084G>A (p.Ala362Thr)

Gene: FANCM (FA complementation group M; plus strand). Cytogenetic location: 14q21.2.
Variant type: single nucleotide variant.
Coding change: c.1084G>A on transcript NM_020937.4 (MANE Select); coding-DNA position 1084, G replaced by A.
Protein change: p.Ala362Thr; replaces alanine 362 with threonine.
Molecular consequence: missense variant.
Genome position (GRCh38, 1-based): chr14:45,153,953, G>A. VCF-style: chr14-45153953-G-A. GRCh37 (hg19) VCF-style: chr14-45623156-G-A.
Other names: c.1006G>A, p.Ala336Thr (NM_001308133.2); c.1084G>A, p.Ala362Thr (NM_001308134.2); short protein forms A336T, A362T.
Identifiers: ClinVar variation 4254699 (VCV004254699.1).

ClinVar aggregate classification (germline): Uncertain significance (1 of 4 stars; one submission).

Conditions:
Inborn genetic diseases. Identifiers: MedGen C0950123, MeSH D030342.

gnomAD v4.1: 1 of 1,606,462 alleles (0.000062%); highest among the groups gnomAD compares: Non-Finnish European, 0.000085%; no homozygotes.

Submission:

Ambry Genetics
Classification: Uncertain significance for Inborn genetic diseases. Last evaluated: 2025-08-23. Review status: criteria provided, single submitter. Criteria: Ambry Variant Classification Scheme 2023. Collection method: clinical testing. Allele origin: germline.
Comment: The p.A362T variant (also known as c.1084G>A), located in coding exon 6 of the FANCM gene, results from a G to A substitution at nucleotide position 1084. The alanine at codon 362 is replaced by threonine, an amino acid with similar properties. This amino acid position is conserved. In addition, this alteration is predicted to be tolerated by in silico analysis. Based on the available evidence, the clinical significance of this variant remains unclear.